The following is an entry in ClinVar:

ClinVar aggregate classification (germline): Benign (1 of 4 stars; one submission).

Submission:

CeGaT Center for Human Genetics Tuebingen
Classification: Benign. Last evaluated: 2022-07-01. Review status: criteria provided, single submitter. Criteria: CeGaT Center For Human Genetics Tuebingen Variant Classification Criteria Version 2. Collection method: clinical testing. Allele origin: germline. Affected: yes. Observed: 1 variant allele.
Comment: ACVR2B: BS1, BS2

NM_001106.4(ACVR2B):c.*342TTGT[1]

Gene: ACVR2B (activin A receptor type 2B; plus strand). Cytogenetic location: 3p22.2.
Variant type: Microsatellite.
Coding change: c.*342TTGT[1] on transcript NM_001106.4 (MANE Select); one copy of the 4-base unit TTGT starting at c.*342; the reference has two copies in a row; one copy, 4 bases deleted.
Molecular consequence: 3 prime UTR variant.
Genome position (GRCh38, 1-based): chr3:38,483,678-38,483,681, TTGT deleted; deleting any 4 consecutive bases within chr3:38,483,673-38,483,681 gives the same sequence; the position shown is the placement nearest the transcript's 3' end. VCF-style (leftmost placement, unchanged base first): chr3-38483672-CTTTG-C. GRCh37 (hg19) VCF-style: chr3-38525163-CTTTG-C.
Identifiers: ClinVar variation 344928 (VCV000344928.29), dbSNP rs559626026, ClinGen allele CA10618174.
Genomic context (GRCh38, chr3:38,483,672, plus strand): 5'-CGCCATGCTGAAGAGCCTCAGCCACCTCCTGTCCTTTGGGATTCGTTTTTCCCGCTTTCT[CTTTG>C]TTTGTCGTCTCAGAATCTGTGACACAAAGAAACCCATCTCCTGTCTTAGGAAACCTAATG-3'